The following is an entry in ClinVar:

NM_002063.4(GLRA2):c.887C>T (p.Thr296Met)

Gene: GLRA2 (glycine receptor alpha 2; plus strand). Cytogenetic location: Xp22.2.
Variant type: single nucleotide variant.
Coding change: c.887C>T on transcript NM_002063.4 (MANE Select); coding-DNA position 887, C replaced by T.
Protein change: p.Thr296Met; replaces threonine 296 with methionine.
Molecular consequence: missense variant.
Genome position (GRCh38, 1-based): chrX:14,609,162, C>T. VCF-style: chrX-14609162-C-T. GRCh37 (hg19) VCF-style: chrX-14627284-C-T.
Other names: c.887C>T, p.Thr296Met (NM_001118885.2, NM_001118886.2); c.620C>T, p.Thr207Met (NM_001171942.2); short protein forms T296M, T207M.
Identifiers: ClinVar variation 810510 (VCV000810510.51), dbSNP rs1601761445, ClinGen allele CA412434324.

ClinVar aggregate classification (germline): Pathogenic. Review status: criteria provided, multiple submitters, no conflicts (2 of 4 stars). 5 submissions from 5 submitters: Pathogenic (3). 2 of the submissions do not count toward it. Last evaluated 2024-12-01.

Conditions:
Intellectual developmental disorder, X-linked, syndromic, Pilorge type. Identifiers: MedGen C5676881, MONDO:0024772, OMIM 301076.
GLRA2-related disorders.

Submissions (5):

CeGaT Center for Human Genetics Tuebingen
Classification: Pathogenic. Last evaluated: 2024-12-01. Review status: criteria provided, single submitter. Criteria: CeGaT Center For Human Genetics Tuebingen Variant Classification Criteria Version 2. Collection method: clinical testing. Allele origin: germline. Affected: yes. Observed: 1 variant allele.
Comment: GLRA2: PS2:Very Strong, PM2, PP2, PP3, PS3:Supporting

Blueprint Genetics
Classification: Pathogenic for GLRA2-related disorders. Last evaluated: 2023-05-12. Review status: criteria provided, single submitter. Criteria: ACMG Guidelines, 2015. Collection method: clinical testing. Allele origin: de novo. Affected: yes. Observed: 2 variant alleles.

Labcorp Genetics (formerly Invitae), Labcorp
Classification: Pathogenic. Last evaluated: 2023-02-02. Review status: criteria provided, single submitter. Criteria: Invitae Variant Classification Sherloc (09022015). Collection method: clinical testing. Allele origin: germline.
Comment: This sequence change replaces threonine, which is neutral and polar, with methionine, which is neutral and non-polar, at codon 296 of the GLRA2 protein (p.Thr296Met). This variant is not present in population databases (gnomAD no frequency). This missense change has been observed in individual(s) with GLRA2-related conditions (PMID: 28135719, 35294868). In at least one individual the variant was observed to be de novo. ClinVar contains an entry for this variant (Variation ID: 810510). Advanced modeling of protein sequence and biophysical properties (such as structural, functional, and spatial information, amino acid conservation, physicochemical variation, residue mobility, and thermodynamic stability) performed at Invitae indicates that this missense variant is expected to disrupt GLRA2 protein function. Experimental studies have shown that this missense change affects GLRA2 function (PMID: 35294868). For these reasons, this variant has been classified as Pathogenic.

OMIM
Classification: Pathogenic for INTELLECTUAL DEVELOPMENTAL DISORDER, X-LINKED, SYNDROMIC, PILORGE TYPE. Last evaluated: 2022-04-26. Review status: no assertion criteria provided. Collection method: literature only. Allele origin: germline. Not counted in ClinVar's aggregate classification.

Wangler Lab, Baylor College of Medicine
Classification: Pathogenic. Last evaluated: 2022-01-10. Review status: no assertion criteria provided. Collection method: research. Allele origin: de novo, not applicable. Affected: yes. Observed: 6 variant alleles, 6 heterozygotes. Functional consequence: gain_of_function_variant. Not counted in ClinVar's aggregate classification.
Comment: Marcogliese et al., (2022) have identified 13 unrelated subjects with a variable neurodevelopmental disorder with or without autistic features. The p.Thr296Met was shown to act as a Gain of Function in functional studies using Drosophila. This variant reoccurred as a de novo in six independent female probands.

Literature cited by the submitters: PubMed 28135719 (cited by Labcorp Genetics (formerly Invitae), Labcorp); PubMed 35294868 (cited by Labcorp Genetics (formerly Invitae), Labcorp and OMIM).